The following is an entry in ClinVar:

ClinVar aggregate classification (germline): Uncertain significance. Review status: criteria provided, multiple submitters, no conflicts (2 of 4 stars). 2 submissions from 2 submitters: Uncertain significance (2). Last evaluated 2021-09-01.

Conditions:
Kufor-Rakeb syndrome (KRS). Also called: PARKINSON DISEASE 9, AUTOSOMAL RECESSIVE, JUVENILE-ONSET. Identifiers: Orphanet 306674, Orphanet 314632, MedGen C1847640, MONDO:0011706, OMIM 606693.
Autosomal recessive spastic paraplegia type 78. Identifiers: Orphanet 513436, MedGen C5567893, MONDO:0014975, OMIM 617225.

Allele frequency attached by ClinVar (database versions not stated): TOPMed 0.00005; gnomAD exomes 0.00006 and 0.00007; gnomAD 0.00007; ESP Exome Variant Server 0.00008; ExAC 0.00010.

Submissions (2):

Labcorp Genetics (formerly Invitae), Labcorp
Classification: Uncertain significance for Kufor-Rakeb syndrome; Autosomal recessive spastic paraplegia type 78. Last evaluated: 2021-09-01. Review status: criteria provided, single submitter. Criteria: Invitae Variant Classification Sherloc (09022015). Collection method: clinical testing. Allele origin: germline.
Comment: This sequence change replaces arginine with glutamine at codon 553 of the ATP13A2 protein (p.Arg553Gln). The arginine residue is weakly conserved and there is a small physicochemical difference between arginine and glutamine. This variant is present in population databases (rs376011760, ExAC 0.02%). This variant has not been reported in the literature in individuals affected with ATP13A2-related conditions. Algorithms developed to predict the effect of missense changes on protein structure and function (SIFT, PolyPhen-2, Align-GVGD) all suggest that this variant is likely to be tolerated. In summary, the available evidence is currently insufficient to determine the role of this variant in disease. Therefore, it has been classified as a Variant of Uncertain Significance.

GeneDx
Classification: Uncertain significance. Last evaluated: 2019-07-01. Review status: criteria provided, single submitter. Criteria: GeneDx Variant Classification Process June 2021. Collection method: clinical testing. Allele origin: germline. Affected: yes.
Comment: Not observed at a significant frequency in large population cohorts (Lek et al., 2016); In silico analysis, which includes protein predictors and evolutionary conservation, supports that this variant does not alter protein structure/function; Has not been previously published as pathogenic or benign to our knowledge

NM_022089.4(ATP13A2):c.1658G>A (p.Arg553Gln)

Gene: ATP13A2 (ATPase cation transporting 13A2; minus strand). Cytogenetic location: 1p36.13.
Variant type: single nucleotide variant.
Coding change: c.1658G>A on transcript NM_022089.4 (MANE Select); coding-DNA position 1658, G replaced by A.
Protein change: p.Arg553Gln; replaces arginine 553 with glutamine.
Molecular consequence: missense variant.
Genome position (GRCh38, 1-based): chr1:16,993,720, C>T on the plus strand (G>A on the coding strand, the complement: ATP13A2 is on the minus strand). VCF-style: chr1-16993720-C-T. GRCh37 (hg19) VCF-style: chr1-17320215-C-T.
Other names: c.1643G>A, p.Arg548Gln (NM_001141973.3, NM_001141974.3); short protein forms R548Q, R553Q.
Identifiers: ClinVar variation 934675 (VCV000934675.5), dbSNP rs376011760, ClinGen allele CA637130.